The following is an entry in ClinVar:

NM_015662.3(IFT172):c.952C>G (p.Arg318Gly)

Gene: IFT172 (intraflagellar transport 172; minus strand). Cytogenetic location: 2p23.3.
Variant type: single nucleotide variant.
Coding change: c.952C>G on transcript NM_015662.3 (MANE Select); coding-DNA position 952, C replaced by G.
Protein change: p.Arg318Gly; replaces arginine 318 with glycine.
Molecular consequence: missense variant.
Genome position (GRCh38, 1-based): chr2:27,479,562, G>C on the plus strand (C>G on the coding strand, the complement: IFT172 is on the minus strand). VCF-style: chr2-27479562-G-C. GRCh37 (hg19) VCF-style: chr2-27702429-G-C.
Other names: c.952C>G (NM_015662.2); short protein forms R318G.
Identifiers: ClinVar variation 1433584 (VCV001433584.6), dbSNP rs751177541, ClinGen allele CA346396404.
Genomic context (GRCh38, chr2:27,479,562, plus strand): 5'-TGCTTACCTGGCTAGGTCCCACATACGTCAACTCAAACTTGTTCTTGTAAATACTCCTTC[G>C]GAGGCAGCAGTCAAACTGTTCCACCCCACCACATAGTGTGCCCTAGAAGGGAAAGTGACA-3'
Protein context (NP_056477.1, residues 308-328): GGVEQFDCCL[Arg318Gly]RSIYKNKFEL

ClinVar aggregate classification (germline): Uncertain significance. Review status: criteria provided, multiple submitters, no conflicts (2 of 4 stars). 2 submissions from 2 submitters: Uncertain significance (2). Last evaluated 2025-06-17.

Conditions:
Short-rib thoracic dysplasia 10 with or without polydactyly (SRTD10). Identifiers: Orphanet 474, MedGen C3810175, MONDO:0014284, OMIM 615630.
Retinitis pigmentosa 71 (RP71). Identifiers: Orphanet 791, MedGen C4225342, MONDO:0014618, OMIM 616394.
IFT172-related disorder. Also called: IFT172-related disorders; IFT172-related condition.

Allele frequency attached by ClinVar (database versions not stated): gnomAD 0.00001.
gnomAD v4.1: 4 of 1,613,312 alleles (0.00025%); highest among the groups gnomAD compares: African/African-American, 0.0053%; no homozygotes.

Submissions (2):

PreventionGenetics, part of Exact Sciences
Classification: Uncertain significance for IFT172-related condition. Last evaluated: 2025-06-17. Review status: criteria provided, single submitter. Criteria: ACMG Guidelines, 2015. Collection method: clinical testing. Allele origin: germline.
Comment: The IFT172 c.952C>G variant is predicted to result in the amino acid substitution p.Arg318Gly. To our knowledge, this variant has not been reported in the literature. This variant is reported in 0.023% of alleles in individuals of African descent in gnomAD. At this time, the clinical significance of this variant is uncertain due to the absence of conclusive functional and genetic evidence.

Labcorp Genetics (formerly Invitae), Labcorp
Classification: Uncertain significance for Retinitis pigmentosa 71; Short-rib thoracic dysplasia 10 with or without polydactyly. Last evaluated: 2022-03-27. Review status: criteria provided, single submitter. Criteria: Invitae Variant Classification Sherloc (09022015). Collection method: clinical testing. Allele origin: germline.
Comment: In summary, the available evidence is currently insufficient to determine the role of this variant in disease. Therefore, it has been classified as a Variant of Uncertain Significance. Algorithms developed to predict the effect of missense changes on protein structure and function are either unavailable or do not agree on the potential impact of this missense change (SIFT: "Deleterious"; PolyPhen-2: "Possibly Damaging"; Align-GVGD: "Class C0"). This variant has not been reported in the literature in individuals affected with IFT172-related conditions. This variant is present in population databases (no rsID available, gnomAD 0.02%). This sequence change replaces arginine, which is basic and polar, with glycine, which is neutral and non-polar, at codon 318 of the IFT172 protein (p.Arg318Gly).